The following is an entry in ClinVar:

NM_000718.4(CACNA1B):c.4107-3C>T

Gene: CACNA1B (calcium voltage-gated channel subunit alpha1 B; plus strand). Cytogenetic location: 9q34.3.
Variant type: single nucleotide variant.
Coding change: c.4107-3C>T on transcript NM_000718.4 (MANE Select); 3 bases into the intron before coding-DNA position 4107, C replaced by T.
Molecular consequence: intron variant.
Genome position (GRCh38, 1-based): chr9:138,058,046, C>T. VCF-style: chr9-138058046-C-T. GRCh37 (hg19) VCF-style: chr9-140952498-C-T.
Other names: c.4107-3C>T (NM_001243812.2).
Identifiers: ClinVar variation 1995130 (VCV001995130.2), dbSNP rs780360630, ClinGen allele CA201854643.

ClinVar aggregate classification (germline): Uncertain significance (1 of 4 stars; one submission).

Allele frequency attached by ClinVar (database versions not stated): TOPMed below 0.00001; gnomAD 0.00001; gnomAD exomes 0.00001.
gnomAD v4.1: 14 of 1,612,806 alleles (0.00087%); highest among the groups gnomAD compares: Non-Finnish European, 0.0012%; no homozygotes.

Submission:

Labcorp Genetics (formerly Invitae), Labcorp
Classification: Uncertain significance. Last evaluated: 2022-07-30. Review status: criteria provided, single submitter. Criteria: Invitae Variant Classification Sherloc (09022015). Collection method: clinical testing. Allele origin: germline.
Comment: This sequence change falls in intron 27 of the CACNA1B gene. It does not directly change the encoded amino acid sequence of the CACNA1B protein. It affects a nucleotide within the consensus splice site. This variant is not present in population databases (gnomAD no frequency). This variant has not been reported in the literature in individuals affected with CACNA1B-related conditions. Variants that disrupt the consensus splice site are a relatively common cause of aberrant splicing (PMID: 17576681, 9536098). Algorithms developed to predict the effect of sequence changes on RNA splicing suggest that this variant is not likely to affect RNA splicing. In summary, the available evidence is currently insufficient to determine the role of this variant in disease. Therefore, it has been classified as a Variant of Uncertain Significance.

Literature cited by the submitters: PubMed 17576681; PubMed 9536098.